The following is an entry in ClinVar:

ClinVar aggregate classification (germline): Conflicting classifications of pathogenicity. Review status: criteria provided, conflicting classifications (1 of 4 stars). 4 submissions from 4 submitters: Uncertain significance (3); Likely benign (1). Last evaluated 2025-09-25.

Conditions:
MYH9-related disorder. Identifiers: MedGen C1854520.
Inborn genetic diseases. Identifiers: MedGen C0950123, MeSH D030342.

Allele frequency attached by ClinVar (database versions not stated): TOPMed below 0.00001; ExAC 0.00001; gnomAD exomes 0.00001; gnomAD 0.00003.
gnomAD v4.1: 22 of 1,614,080 alleles (0.0014%); highest among the groups gnomAD compares: Non-Finnish European, 0.0018%; no homozygotes.

Submissions (4):

Labcorp Genetics (formerly Invitae), Labcorp
Classification: Likely benign. Last evaluated: 2025-09-25. Review status: criteria provided, single submitter. Criteria: Invitae Variant Classification Sherloc (09022015). Collection method: clinical testing. Allele origin: germline.

PreventionGenetics, part of Exact Sciences
Classification: Uncertain significance for MYH9-related condition. Last evaluated: 2025-04-01. Review status: criteria provided, single submitter. Criteria: ACMG Guidelines, 2015. Collection method: clinical testing. Allele origin: germline.
Comment: The MYH9 c.5710A>G variant is predicted to result in the amino acid substitution p.Thr1904Ala. To our knowledge, this variant has not been reported in the literature. This variant is reported in 0.0039% of alleles in individuals of European (Non-Finnish) descent in gnomAD. At this time, the clinical significance of this variant is uncertain due to the absence of conclusive functional and genetic evidence.

Ambry Genetics
Classification: Uncertain significance for Inborn genetic diseases. Last evaluated: 2024-10-06. Review status: criteria provided, single submitter. Criteria: Ambry Variant Classification Scheme 2023. Collection method: clinical testing. Allele origin: germline.

CeGaT Center for Human Genetics Tuebingen
Classification: Uncertain significance. Last evaluated: 2022-08-01. Review status: criteria provided, single submitter. Criteria: CeGaT Center For Human Genetics Tuebingen Variant Classification Criteria Version 2. Collection method: clinical testing. Allele origin: germline. Affected: yes. Observed: 1 variant allele.
Comment: MYH9: PP2, BP4

NM_002473.6(MYH9):c.5710A>G (p.Thr1904Ala)

Gene: MYH9 (myosin heavy chain 9; minus strand). Cytogenetic location: 22q12.3.
Variant type: single nucleotide variant.
Coding change: c.5710A>G on transcript NM_002473.6 (MANE Select); coding-DNA position 5710, A replaced by G.
Protein change: p.Thr1904Ala; replaces threonine 1904 with alanine.
Molecular consequence: missense variant.
Genome position (GRCh38, 1-based): chr22:36,284,148, T>C on the plus strand (A>G on the coding strand, the complement: MYH9 is on the minus strand). VCF-style: chr22-36284148-T-C. GRCh37 (hg19) VCF-style: chr22-36680194-T-C.
Other names: c.5710A>G (NM_002473.4); short protein forms T1904A.
Identifiers: ClinVar variation 2653097 (VCV002653097.28), dbSNP rs754138115, ClinGen allele CA10208956.